The following is an entry in ClinVar:

NM_000079.4(CHRNA1):c.1003-3T>C

Gene: CHRNA1 (cholinergic receptor nicotinic alpha 1 subunit; minus strand). Cytogenetic location: 2q31.1.
Variant type: single nucleotide variant.
Coding change: c.1003-3T>C on transcript NM_000079.4 (MANE Select); 3 bases into the intron before coding-DNA position 1003, T replaced by C.
Molecular consequence: intron variant.
Genome position (GRCh38, 1-based): chr2:174,748,822, A>G on the plus strand (T>C on the coding strand, the complement: CHRNA1 is on the minus strand). VCF-style: chr2-174748822-A-G. GRCh37 (hg19) VCF-style: chr2-175613550-A-G.
Other names: c.1078-3T>C (NM_001039523.3).
Identifiers: ClinVar variation 862446 (VCV000862446.7), dbSNP rs1683789512, ClinGen allele CA916082258.

ClinVar aggregate classification (germline): Uncertain significance (1 of 4 stars; one submission).

Conditions:
Lethal multiple pterygium syndrome (LMPS). Identifiers: Orphanet 33108, MedGen C1854678, MONDO:0009668, OMIM 253290.

Submission:

Labcorp Genetics (formerly Invitae), Labcorp
Classification: Uncertain significance for Lethal multiple pterygium syndrome. Last evaluated: 2022-10-05. Review status: criteria provided, single submitter. Criteria: Invitae Variant Classification Sherloc (09022015). Collection method: clinical testing. Allele origin: germline.
Comment: This sequence change falls in intron 7 of the CHRNA1 gene. It does not directly change the encoded amino acid sequence of the CHRNA1 protein. It affects a nucleotide within the consensus splice site. This variant is not present in population databases (gnomAD no frequency). This variant has not been reported in the literature in individuals affected with CHRNA1-related conditions. ClinVar contains an entry for this variant (Variation ID: 862446). Variants that disrupt the consensus splice site are a relatively common cause of aberrant splicing (PMID: 17576681, 9536098). Algorithms developed to predict the effect of sequence changes on RNA splicing suggest that this variant is not likely to affect RNA splicing. In summary, the available evidence is currently insufficient to determine the role of this variant in disease. Therefore, it has been classified as a Variant of Uncertain Significance.

Literature cited by the submitters: PubMed 17576681; PubMed 9536098.